The following is an entry in ClinVar:

ClinVar aggregate classification (germline): Uncertain significance. Review status: criteria provided, multiple submitters, no conflicts (2 of 4 stars). 2 submissions from 2 submitters: Uncertain significance (2). Last evaluated 2026-03-03.

Conditions:
Intellectual developmental disorder with language impairment and early-onset DOPA-responsive dystonia-parkinsonism (IDLDP). Identifiers: Orphanet 660017, MedGen C5677001, MONDO:0859257, OMIM 619911.
Inborn genetic diseases. Identifiers: MedGen C0950123, MeSH D030342.

Submissions (2):

Ambry Genetics
Classification: Uncertain significance for Inborn genetic diseases. Last evaluated: 2026-03-03. Review status: criteria provided, single submitter. Criteria: Ambry Variant Classification Scheme 2023. Collection method: clinical testing. Allele origin: germline.
Comment: The c.859T>C (p.F287L) alteration is located in exon 3 (coding exon 1) of the NR4A2 gene. This alteration results from a T to C substitution at nucleotide position 859, causing the phenylalanine (F) at amino acid position 287 to be replaced by a leucine (L). This variant was not reported in population-based cohorts in the Genome Aggregation Database (gnomAD). This amino acid position is highly conserved in available vertebrate species. This missense variant is located in a region that has a low rate of benign missense variation (Lek, 2016; Firth, 2009). This alteration is predicted to be deleterious by in silico analysis. Based on insufficient or conflicting evidence, the clinical significance of this alteration remains unclear.

Equipe Genetique des Anomalies du Developpement, Université de Bourgogne
Classification: Uncertain significance for Intellectual developmental disorder with language impairment and early-onset DOPA-responsive dystonia-parkinsonism. Last evaluated: 2023-10-31. Review status: criteria provided, single submitter. Criteria: ACMG Guidelines, 2015. Collection method: clinical testing. Allele origin: unknown. Affected: yes.

NM_006186.4(NR4A2):c.859T>C (p.Phe287Leu)

Gene: NR4A2 (nuclear receptor subfamily 4 group A member 2; minus strand). Cytogenetic location: 2q24.1.
Variant type: single nucleotide variant.
Coding change: c.859T>C on transcript NM_006186.4 (MANE Select); coding-DNA position 859, T replaced by C.
Protein change: p.Phe287Leu; replaces phenylalanine 287 with leucine.
Molecular consequence: missense variant.
Genome position (GRCh38, 1-based): chr2:156,329,328, A>G on the plus strand (T>C on the coding strand, the complement: NR4A2 is on the minus strand). VCF-style: chr2-156329328-A-G. GRCh37 (hg19) VCF-style: chr2-157185840-A-G.
Other names: c.859T>C (NM_006186.3); c.670T>C, p.Phe224Leu (NM_173173.3); short protein forms F224L, F287L.
Identifiers: ClinVar variation 3220885 (VCV003220885.2), dbSNP rs2468285713, ClinGen allele CA348681523.
Genomic context (GRCh38, chr2:156,329,328, plus strand): 5'-GGTCCCGGGCACTAGGGGCTCCCTACCTGCCTACTCCGCTCCCGCCATTGCTCACCTTAA[A>G]GAAGCCTTTGCAGCCCTCACAGGTGCGCACGCCGTAGTGTTGGCAGGCCGCGTTGTCCCC-3'
Protein context (NP_006177.1, residues 277-297): VRTCEGCKGF[Phe287Leu]KRTVQKNAKY